The following is an entry in ClinVar:

NM_000512.5(GALNS):c.1302C>G (p.Asp434Glu)

Gene: GALNS (galactosamine (N-acetyl)-6-sulfatase; minus strand). Cytogenetic location: 16q24.3.
Variant type: single nucleotide variant.
Coding change: c.1302C>G on transcript NM_000512.5 (MANE Select); coding-DNA position 1302, C replaced by G.
Protein change: p.Asp434Glu; replaces aspartic acid 434 with glutamic acid.
Molecular consequence: missense variant.
Genome position (GRCh38, 1-based): chr16:88,822,651, G>C on the plus strand (C>G on the coding strand, the complement: GALNS is on the minus strand). VCF-style: chr16-88822651-G-C. GRCh37 (hg19) VCF-style: chr16-88889059-G-C.
Other names: c.747C>G, p.Asp249Glu (NM_001323543.2); c.1320C>G, p.Asp440Glu (NM_001323544.2); short protein forms D249E, D434E, D440E.
Identifiers: ClinVar variation 4990462 (VCV004990462.1).

ClinVar aggregate classification (germline): Uncertain significance (1 of 4 stars; one submission).

Conditions:
GALNS-related disorder. Also called: GALNS-related condition.

gnomAD v4.1: 1 of 1,613,198 alleles (0.000062%); highest among the groups gnomAD compares: Admixed American, 0.0017%; no homozygotes.

Submission:

PreventionGenetics, part of Exact Sciences
Classification: Uncertain significance for GALNS-related condition. Last evaluated: 2025-03-26. Review status: criteria provided, single submitter. Criteria: ACMG Guidelines, 2015. Collection method: clinical testing. Allele origin: germline.
Comment: The GALNS c.1302C>G variant is predicted to result in the amino acid substitution p.Asp434Glu. To our knowledge, this variant has not been reported in the literature. This variant is reported in 0.0029% of alleles in individuals of Latino descent in gnomAD. At this time, the clinical significance of this variant is uncertain due to the absence of conclusive functional and genetic evidence.